The following is an entry in ClinVar:

ClinVar aggregate classification (germline): Conflicting classifications of pathogenicity. Review status: criteria provided, conflicting classifications (1 of 4 stars). 5 submissions from 5 submitters: Uncertain significance (1); Likely benign (3). 1 of the submissions does not count toward it. Last evaluated 2026-01-27.

Conditions:
Fraser syndrome 2 (FRASRS2). Identifiers: MedGen C4540036, MONDO:0054738, OMIM 617666.
FREM2-related disorder. Also called: FREM2-related condition.

Allele frequency attached by ClinVar (database versions not stated): gnomAD exomes 0.00019 and 0.00022; gnomAD 0.00021; ExAC 0.00023; ESP Exome Variant Server 0.00023; TOPMed 0.00023.
gnomAD v4.1: 307 of 1,613,946 alleles (0.019%); highest among the groups gnomAD compares: Non-Finnish European, 0.024%; no homozygotes.

Submissions (5):

Labcorp Genetics (formerly Invitae), Labcorp
Classification: Likely benign. Last evaluated: 2026-01-27. Review status: criteria provided, single submitter. Criteria: Invitae Variant Classification Sherloc (09022015). Collection method: clinical testing. Allele origin: germline.

Laboratory of Genetics, Children's Clinical University Hospital Latvia
Classification: Likely benign. Last evaluated: 2025-02-16. Review status: criteria provided, single submitter. Criteria: ACMG Guidelines, 2015. Collection method: clinical testing. Allele origin: germline. Affected: yes.

Blueprint Genetics
Classification: Likely benign. Last evaluated: 2024-11-25. Review status: criteria provided, single submitter. Criteria: ACMG Guidelines, 2015. Collection method: clinical testing. Allele origin: germline.

Illumina Laboratory Services, Illumina
Classification: Uncertain significance for Fraser syndrome 2. Last evaluated: 2018-01-13. Review status: criteria provided, single submitter. Criteria: ICSL Variant Classification Criteria 13 December 2019. Collection method: clinical testing. Allele origin: germline.

PreventionGenetics, part of Exact Sciences
Classification: Likely benign for FREM2-related condition. Last evaluated: 2019-06-13. Review status: no assertion criteria provided. Collection method: clinical testing. Allele origin: germline. Not counted in ClinVar's aggregate classification.
Comment: This variant is classified as likely benign based on ACMG/AMP sequence variant interpretation guidelines (Richards et al. 2015 PMID: 25741868, with internal and published modifications).

NM_207361.6(FREM2):c.1191C>T (p.Pro397=)

Gene: FREM2 (FRAS1 related extracellular matrix 2; plus strand). Cytogenetic location: 13q13.3.
Variant type: single nucleotide variant.
Coding change: c.1191C>T on transcript NM_207361.6 (MANE Select); coding-DNA position 1191, C replaced by T.
Protein change: p.Pro397=; no amino-acid change (proline 397 retained).
Molecular consequence: synonymous variant.
Genome position (GRCh38, 1-based): chr13:38,688,535, C>T. VCF-style: chr13-38688535-C-T. GRCh37 (hg19) VCF-style: chr13-39262672-C-T.
Identifiers: ClinVar variation 311944 (VCV000311944.18), dbSNP rs199831729, ClinGen allele CA6954360.